The following is an entry in ClinVar:

ClinVar aggregate classification (germline): Uncertain significance (1 of 4 stars; one submission).

Submission:

Labcorp Genetics (formerly Invitae), Labcorp
Classification: Uncertain significance. Last evaluated: 2021-05-28. Review status: criteria provided, single submitter. Criteria: Invitae Variant Classification Sherloc (09022015). Collection method: clinical testing. Allele origin: germline.
Comment: In summary, the available evidence is currently insufficient to determine the role of this variant in disease. Therefore, it has been classified as a Variant of Uncertain Significance. This variant, c.4573_4575del, results in the deletion of 1 amino acid(s) of the LTBP2 protein (p.Lys1525del), but otherwise preserves the integrity of the reading frame. This variant is present in population databases (rs751614133, ExAC 0.002%). This variant has not been reported in the literature in individuals with LTBP2-related conditions. Experimental studies and prediction algorithms are not available or were not evaluated, and the functional significance of this variant is currently unknown.

NM_000428.3(LTBP2):c.4570AAG[1] (p.Lys1525del)

Gene: LTBP2 (latent transforming growth factor beta binding protein 2; minus strand). Cytogenetic location: 14q24.3.
Variant type: Microsatellite.
Coding change: c.4570AAG[1] on transcript NM_000428.3 (MANE Select); one copy of the 3-base unit AAG starting at c.4570; the reference has two copies in a row; one copy, 3 bases deleted.
Protein change: p.Lys1525del; deletes lysine 1525.
Molecular consequence: inframe deletion.
Genome position (GRCh38, 1-based): chr14:74,503,933-74,503,935, CTT deleted on the plus strand (AAG on the coding strand, the reverse complement: LTBP2 is on the minus strand); deleting any 3 consecutive bases within chr14:74,503,933-74,503,938 gives the same sequence; the position shown is the placement nearest the transcript's 3' end. VCF-style (leftmost placement, unchanged base first): chr14-74503932-ACTT-A. GRCh37 (hg19) VCF-style: chr14-74970635-ACTT-A.
Other names: short protein forms K1525del.
Identifiers: ClinVar variation 1379645 (VCV001379645.7), dbSNP rs751614133, ClinGen allele CA7268723.